The following is an entry in ClinVar:

NM_176806.4(MOCS2):c.3G>A (p.Met1Ile)

Genes: MOCS2 (molybdenum cofactor synthesis 2; minus strand), LOC129993881 (ATAC-STARR-seq lymphoblastoid silent region 16005; plus strand). Cytogenetic location: 5q11.2.
Variant type: single nucleotide variant.
Coding change: c.3G>A on transcript NM_176806.4 (MANE Plus Clinical); coding-DNA position 3, G replaced by A.
Protein change: p.Met1Ile; changes the start codon (methionine 1).
Molecular consequence: missense variant, initiator codon variant. On other transcripts: 5 prime UTR variant (1).
Genome position (GRCh38, 1-based): chr5:53,109,727, C>T on the plus strand (G>A on the coding strand, the complement: MOCS2 is on the minus strand). VCF-style: chr5-53109727-C-T. GRCh37 (hg19) VCF-style: chr5-52405557-C-T.
Other names: NM_176806.4(MOCS2):c.3G>A; p.Met1Ile; c.-646G>A (NM_004531.5); short protein forms M1I.
Identifiers: ClinVar variation 813890 (VCV000813890.8), dbSNP rs1273139451, ClinGen allele CA359694278.

ClinVar aggregate classification (germline): Pathogenic/Likely pathogenic. Review status: criteria provided, multiple submitters, no conflicts (2 of 4 stars). 3 submissions from 3 submitters: Pathogenic (1); Likely pathogenic (2). Last evaluated 2025-11-10.

Conditions:
Sulfite oxidase deficiency due to molybdenum cofactor deficiency type B1 (MOCODB1). Also called: Sulfite oxidase deficiency due to molybdenum cofactor deficiency type B; Molybdenum cofactor deficiency, complementation group B; Molybdenum cofactor deficiency B; MOLYBDENUM COFACTOR DEFICIENCY, TYPE B1. Identifiers: Orphanet 308393, Orphanet 833, MedGen C6065887, MONDO:0009644, OMIM 252160.

Allele frequency attached by ClinVar (database versions not stated): gnomAD exomes below 0.00001; TOPMed below 0.00001; gnomAD 0.00001.
gnomAD v4.1: 4 of 1,551,286 alleles (0.00026%); highest among the groups gnomAD compares: Middle Eastern, 0.017%; no homozygotes.

Submissions (3):

3billion
Classification: Likely pathogenic for Sulfite oxidase deficiency due to molybdenum cofactor deficiency type B1. Last evaluated: 2025-11-10. Review status: criteria provided, single submitter. Criteria: ACMG Guidelines, 2015. Collection method: clinical testing. Allele origin: germline. Affected: yes.
Comment: The variant is observed at an extremely low frequency in the gnomAD v4.1.0 dataset (total allele frequency: <0.001%). Predicted Consequence/Location: 5' UTR variant The variant has been reported to co-segregate with the disease in at least one similarly affected relative/individual in the same family or similarly affected unrelated families (PMID: 27146152). The variant has been reported at least twice as pathogenic with clinical assertions and evidence for the classification (ClinVar ID: VCV000813890 /PMID: 10053004 /3billion dataset). Therefore, this variant is classified as Likely pathogenic according to the recommendation of ACMG/AMP guideline.

Labcorp Genetics (formerly Invitae), Labcorp
Classification: Pathogenic. Last evaluated: 2023-05-18. Review status: criteria provided, single submitter. Criteria: Invitae Variant Classification Sherloc (09022015). Collection method: clinical testing. Allele origin: germline.
Comment: This variant is not present in population databases (gnomAD no frequency). Disruption of the initiator codon has been observed in individuals with molybdenum cofactor deficiency (PMID: 10053004, 27146152, 27289259). This variant is also known as M1I. ClinVar contains an entry for this variant (Variation ID: 813890). Studies have shown that disruption of the initiator codon alters MOCS2A gene expression (PMID: 10053003). For these reasons, this variant has been classified as Pathogenic. This sequence change affects the initiator methionine of the MOCS2A mRNA. There are no downstream in-frame methionine residues; therefore, it is expected to result in an absent or disrupted protein product. Loss-of-function variants in MOCS2A are known to be pathogenic (PMID: 21031595).

Broad Center for Mendelian Genomics, Broad Institute of MIT and Harvard
Classification: Likely pathogenic for Sulfite oxidase deficiency due to molybdenum cofactor deficiency type B1. Last evaluated: 2023-01-25. Review status: criteria provided, single submitter. Criteria: ACMG Guidelines, 2015. Collection method: curation. Allele origin: germline.
Comment: The p.Met1Ile variant in MOCS2 has been previously reported in 3 unrelated individuals with molybdenum cofactor deficiency B (‚Äã‚ÄãPMID: 27146152, PMID: 10053004, PMID: 27289259) and segregated with disease in 2 affected relatives from one family (PMID: 27146152), but has been identified in 0.0007% (1/152212) of chromosomes by the Genome Aggregation Database (gnomAD; dbSNP ID: rs1273139451). Although this variant has been seen in the general population in a heterozygous state, its frequency is low enough to be consistent with a recessive carrier frequency. The three unrelated affected individuals previously reported were homozygotes (‚Äã‚ÄãPMID: 27146152, PMID: 10053004, PMID: 27289259), which increases the likelihood that the p.Met1Ile variant is pathogenic. This variant has also been reported in ClinVar (Variation ID: 813890) with conflicting interpretations of pathogenicity. One additional likely pathogenic variant, resulting in a different amino acid change at the same position, c.2T>G (p.Met1Arg), has been reported in association with disease in ClinVar, slightly supporting that a change at this position may not be tolerated (Variation ID: 587508). This variant is located in the first amino acid and obliterates the methionine initiation codon. The next in-frame methionine is at amino acid residue 34 and there are 19 reported pathogenic or likely pathogenic variants in ClinVar upstream of this downstream methionine. Loss of function of the MOCS2 gene is an established disease mechanism in autosomal recessive molybdenum cofactor deficiency B. In summary, although additional studies are required to fully establish its clinical significance, this variant is likely pathogenic for autosomal recessive molybdenum cofactor deficiency B. ACMG/AMP Criteria applied: PVS1_Moderate, PM2_Supporting, PM5_Supporting, PM3, PP1 (Richards 2015).

Literature cited by the submitters: PubMed 10053004 (cited by 3billion and Labcorp Genetics (formerly Invitae), Labcorp); PubMed 27146152 (cited by 3billion and Labcorp Genetics (formerly Invitae), Labcorp); PubMed 27289259 (cited by Labcorp Genetics (formerly Invitae), Labcorp); PubMed 10053003 (cited by Labcorp Genetics (formerly Invitae), Labcorp); PubMed 21031595 (cited by Labcorp Genetics (formerly Invitae), Labcorp).